The following is an entry in ClinVar:

ClinVar aggregate classification (germline): Uncertain significance. Review status: criteria provided, multiple submitters, no conflicts (2 of 4 stars). 3 submissions from 3 submitters: Uncertain significance (3). Last evaluated 2022-12-12.

Conditions:
ACOX1-related disorder. Also called: ACOX1-related disorders; ACOX1-related condition.
Acyl-CoA oxidase deficiency. Also called: Peroxisomal acyl-CoA oxidase deficiency; STRAIGHT-CHAIN ACYL-CoA OXIDASE DEFICIENCY; Pseudoneonatal adrenoleukodystrophy. Identifiers: Orphanet 2971, MedGen C1849678, MONDO:0009919, OMIM 264470. Disease mechanism: loss of function.

Allele frequency attached by ClinVar (database versions not stated): ExAC 0.00001; gnomAD 0.00003; gnomAD exomes 0.00003; TOPMed 0.00003; ESP Exome Variant Server 0.00015.

Submissions (3):

PreventionGenetics, part of Exact Sciences
Classification: Uncertain significance for ACOX1-related condition. Last evaluated: 2022-12-12. Review status: criteria provided, single submitter. Criteria: ACMG Guidelines, 2015. Collection method: clinical testing. Allele origin: germline.
Comment: The ACOX1 c.287G>A variant is predicted to result in the amino acid substitution p.Arg96Gln. To our knowledge, this variant has not been reported in the literature. This variant is reported in 0.0057% of alleles in individuals of Latino descent in gnomAD. At this time, the clinical significance of this variant is uncertain due to the absence of conclusive functional and genetic evidence.

Labcorp Genetics (formerly Invitae), Labcorp
Classification: Uncertain significance for Acyl-CoA oxidase deficiency. Last evaluated: 2022-08-16. Review status: criteria provided, single submitter. Criteria: Invitae Variant Classification Sherloc (09022015). Collection method: clinical testing. Allele origin: germline.
Comment: This sequence change replaces arginine, which is basic and polar, with glutamine, which is neutral and polar, at codon 96 of the ACOX1 protein (p.Arg96Gln). This variant is present in population databases (rs148357481, gnomAD 0.008%). This variant has not been reported in the literature in individuals affected with ACOX1-related conditions. Algorithms developed to predict the effect of missense changes on protein structure and function output the following: SIFT: "Tolerated"; PolyPhen-2: "Benign"; Align-GVGD: "Class C0". The glutamine amino acid residue is found in multiple mammalian species, which suggests that this missense change does not adversely affect protein function. In summary, the available evidence is currently insufficient to determine the role of this variant in disease. Therefore, it has been classified as a Variant of Uncertain Significance.

Neuberg Centre For Genomic Medicine, NCGM
Classification: Uncertain significance for Acyl-CoA oxidase deficiency. Review status: criteria provided, single submitter. Criteria: ACMG Guidelines, 2015. Collection method: clinical testing. Allele origin: germline. Inheritance: Autosomal recessive inheritance. Affected: yes.
Comment: The observed missense c.287G>A(p.Arg96Gln) variant in ACOX1 gene has not been reported previously as a pathogenic variant nor as a benign variant, to our knowledge. This variant is reported with the allele frequency of 0.002% in the gnomAD Exomes. This variant has been reported to the ClinVar database as Uncertain Significance. However, no details are available for independent assessment. The amino acid Arg at position 96 is changed to a Gln changing protein sequence and it might alter its composition and physico-chemical properties. The amino acid change p.Arg96Gln in ACOX1 is predicted as conserved by PhyloP across 100 vertebrates. Computational evidence (Polyphen - Benign, SIFT - Tolerated, and MutationTaster - Disease causing) predicts conflicting evidence on protein structure and function for this variant. For these reasons, this variant has been classified as Uncertain Significance.

NM_004035.7(ACOX1):c.287G>A (p.Arg96Gln)

Gene: ACOX1 (acyl-CoA oxidase 1; minus strand). Cytogenetic location: 17q25.1.
Variant type: single nucleotide variant.
Coding change: c.287G>A on transcript NM_004035.7 (MANE Select); coding-DNA position 287, G replaced by A.
Protein change: p.Arg96Gln; replaces arginine 96 with glutamine.
Molecular consequence: missense variant. On other transcripts: intron variant (1).
Genome position (GRCh38, 1-based): chr17:75,960,358, C>T on the plus strand (G>A on the coding strand, the complement: ACOX1 is on the minus strand). VCF-style: chr17-75960358-C-T. GRCh37 (hg19) VCF-style: chr17-73956439-C-T.
Other names: c.287G>A (NM_004035.6); c.173G>A, p.Arg58Gln (NM_001185039.2); c.431-2792G>A (NM_007292.6); short protein forms R58Q, R96Q.
Identifiers: ClinVar variation 2054535 (VCV002054535.5), dbSNP rs148357481, ClinGen allele CA8777051.